The following is an entry in ClinVar:

NM_212550.5(BLOC1S3):c.270G>A (p.Ala90=)

Gene: BLOC1S3 (biogenesis of lysosomal organelles complex 1 subunit 3; plus strand). Cytogenetic location: 19q13.32.
Variant type: single nucleotide variant.
Coding change: c.270G>A on transcript NM_212550.5 (MANE Select); coding-DNA position 270, G replaced by A.
Protein change: p.Ala90=; no amino-acid change (alanine 90 retained).
Molecular consequence: synonymous variant.
Genome position (GRCh38, 1-based): chr19:45,179,566, G>A. VCF-style: chr19-45179566-G-A. GRCh37 (hg19) VCF-style: chr19-45682824-G-A.
Other names: p.Ala90=.
Identifiers: ClinVar variation 162790 (VCV000162790.23), dbSNP rs758506, ClinGen allele CA175324.
Genomic context (GRCh38, chr19:45,179,566, plus strand): 5'-GCCGGAACCGACGGCCGCGCCGAGGGACCTGCCTCCACTCGTGGTGCAGCGGGAATCGGC[G>A]GAGGAGGCCTGGGGCACGGAGGAGGCCCCGGCGCCCGCCCCCGCGCGCTCGCTCCTGCAA-3'
Protein context (NP_997715.1, residues 80-100): LPPLVVQRES[Ala90=]EEAWGTEEAP

ClinVar aggregate classification (germline): Benign/Likely benign. Review status: criteria provided, multiple submitters, no conflicts (2 of 4 stars). 9 submissions from 9 submitters: Benign (8); Likely benign (1). Last evaluated 2026-02-04.

Conditions:
Hermansky-Pudlak syndrome 8 (HPS8). Identifiers: Orphanet 79430, MedGen C3888026, MONDO:0013560, OMIM 614077.

Allele frequency attached by ClinVar (database versions not stated): ESP Exome Variant Server 0.09062; gnomAD exomes 0.11385 and 0.11504; gnomAD 0.13313 and 0.13342; ExAC 0.13581; TOPMed 0.13773; 1000 Genomes Project 0.14856; 1000 Genomes Project 30x 0.14991.
gnomAD v4.1: 177,670 of 1,515,430 alleles (12%); highest among the groups gnomAD compares: African/African-American, 21%; 11,253 homozygotes.

Submissions (9):

Labcorp Genetics (formerly Invitae), Labcorp
Classification: Benign. Last evaluated: 2026-02-04. Review status: criteria provided, single submitter. Criteria: Invitae Variant Classification Sherloc (09022015). Collection method: clinical testing. Allele origin: germline.

Blueprint Genetics
Classification: Likely benign. Last evaluated: 2024-11-28. Review status: criteria provided, single submitter. Criteria: ACMG Guidelines, 2015. Collection method: clinical testing. Allele origin: germline.

Mayo Clinic Laboratories, Mayo Clinic
Classification: Benign. Last evaluated: 2022-09-29. Review status: criteria provided, single submitter. Criteria: ACMG Guidelines, 2015. Collection method: clinical testing. Allele origin: germline. Observed: 106 variant alleles.

Genome-Nilou Lab
Classification: Benign for Hermansky-Pudlak syndrome 8. Last evaluated: 2021-07-14. Review status: criteria provided, single submitter. Criteria: ACMG Guidelines, 2015. Collection method: clinical testing. Allele origin: germline. Affected: no.

GeneDx
Classification: Benign. Last evaluated: 2018-11-10. Review status: criteria provided, single submitter. Criteria: GeneDx Variant Classification Process June 2021. Collection method: clinical testing. Allele origin: germline. Affected: yes.

Eurofins Ntd Llc (ga)
Classification: Benign. Last evaluated: 2016-07-11. Review status: criteria provided, single submitter. Criteria: EGL Classification Definitions 2015. Collection method: clinical testing. Allele origin: germline. Observed: 1 variant allele, 1 heterozygote.

Laboratory for Molecular Medicine, Mass General Brigham Personalized Medicine
Classification: Benign. Last evaluated: 2013-02-21. Review status: criteria provided, single submitter. Criteria: LMM Criteria. Collection method: clinical testing. Allele origin: germline. Observed: 17 variant alleles.
Comment: Ala90Ala in exon 2 of BLOC1S3: This variant is not expected to have clinical sig nificance because it does not alter an amino acid residue and is not located wit hin the splice consensus sequence. It has been identified in 12.6% (211/1680) of African American chromosomes from a broad population by the NHLBI Exome Sequenc ing Project (dbSNP rs758506).

Breakthrough Genomics
Classification: Benign. Review status: criteria provided, single submitter. Criteria: ACMG Guidelines, 2015. Collection method: not provided. Allele origin: germline. Inheritance: Autosomal recessive inheritance. Affected: yes.

PreventionGenetics, part of Exact Sciences
Classification: Benign. Review status: criteria provided, single submitter. Criteria: ACMG Guidelines, 2015. Collection method: clinical testing. Allele origin: germline.